The following is an entry in ClinVar:

NM_002224.4(ITPR3):c.2393A>G (p.Lys798Arg)

Gene: ITPR3 (inositol 1,4,5-trisphosphate receptor type 3; plus strand). Cytogenetic location: 6p21.31.
Variant type: single nucleotide variant.
Coding change: c.2393A>G on transcript NM_002224.4 (MANE Select); coding-DNA position 2393, A replaced by G.
Protein change: p.Lys798Arg; replaces lysine 798 with arginine.
Molecular consequence: missense variant.
Genome position (GRCh38, 1-based): chr6:33,670,528, A>G. VCF-style: chr6-33670528-A-G. GRCh37 (hg19) VCF-style: chr6-33638305-A-G.
Other names: short protein forms K798R.
Identifiers: ClinVar variation 5039308 (VCV005039308.1).

ClinVar aggregate classification (germline): Uncertain significance (1 of 4 stars; one submission).

gnomAD v4.1: 11 of 1,492,458 alleles (0.00074%); highest among the groups gnomAD compares: Non-Finnish European, 0.001%; no homozygotes.

Submission:

CeGaT Center for Human Genetics Tuebingen
Classification: Uncertain significance. Last evaluated: 2026-08-01. Review status: criteria provided, single submitter. Criteria: CeGaT Center For Human Genetics Tuebingen Variant Classification Criteria Version 2. Collection method: clinical testing. Allele origin: germline. Affected: yes. Observed: 1 variant allele.
Comment: ITPR3: PP3